The following is an entry in ClinVar:

NM_183075.3(CYP2U1):c.392_393delinsTT (p.Ser131Ile)

Genes: CYP2U1-AS1 (CYP2U1 and SGMS2 antisense RNA 1; minus strand), CYP2U1 (cytochrome P450 family 2 subfamily U member 1; plus strand). Cytogenetic location: 4q25.
Variant type: Indel.
Coding change: c.392_393delinsTT on transcript NM_183075.3 (MANE Select); coding-DNA positions 392 to 393, GC replaced by TT.
Protein change: p.Ser131Ile; replaces serine 131 with isoleucine.
Molecular consequence: missense variant. On other transcripts: non-coding transcript variant (1).
Genome position (GRCh38, 1-based): chr4:107,932,035-107,932,036, GC replaced by TT. VCF-style: chr4-107932035-GC-TT. GRCh37 (hg19) VCF-style: chr4-108853191-GC-TT.
Other names: short protein forms S131I.
Identifiers: ClinVar variation 2418668 (VCV002418668.6), dbSNP rs2476957483, ClinGen allele CA2580071335.
Genomic context (GRCh38, chr4:107,932,035, plus strand): 5'-CCCGCGTGTACGGCAGCATCTTCAGCTTCTTTATCGGCCACTACCTGGTGGTGGTCCTCA[GC>TT]GACTTCCACAGCGTGCGCGAGGCGCTGGTGCAGCAGGCCGAGGTCTTCAGCGACCGCCCG-3'
Protein context (NP_898898.1, residues 121-141): FIGHYLVVVL[Ser131Ile]DFHSVREALV

ClinVar aggregate classification (germline): Uncertain significance (1 of 4 stars; one submission).

Conditions:
Spastic paraplegia. Identifiers: MedGen C0037772, HP:0001258.

Submission:

Labcorp Genetics (formerly Invitae), Labcorp
Classification: Uncertain significance for Spastic paraplegia. Last evaluated: 2021-11-26. Review status: criteria provided, single submitter. Criteria: Invitae Variant Classification Sherloc (09022015). Collection method: clinical testing. Allele origin: germline.
Comment: In summary, the available evidence is currently insufficient to determine the role of this variant in disease. Therefore, it has been classified as a Variant of Uncertain Significance. Algorithms developed to predict the effect of missense changes on protein structure and function are either unavailable or do not agree on the potential impact of this missense change (SIFT: "Not Available"; PolyPhen-2: "Benign"; Align-GVGD: "Not Available"). This variant has not been reported in the literature in individuals affected with CYP2U1-related conditions. This variant is present in population databases (no rsID available, gnomAD 0.3%). This sequence change replaces serine, which is neutral and polar, with isoleucine, which is neutral and non-polar, at codon 131 of the CYP2U1 protein (p.Ser131Ile).